The following is an entry in ClinVar:

NM_080680.3(COL11A2):c.2415A>G (p.Gly805=)

Gene: COL11A2 (collagen type XI alpha 2 chain; minus strand). Cytogenetic location: 6p21.32.
Variant type: single nucleotide variant.
Coding change: c.2415A>G on transcript NM_080680.3 (MANE Select); coding-DNA position 2415, A replaced by G.
Protein change: p.Gly805=; no amino-acid change (glycine 805 retained).
Molecular consequence: synonymous variant.
Genome position (GRCh38, 1-based): chr6:33,174,542, T>C on the plus strand (A>G on the coding strand, the complement: COL11A2 is on the minus strand). VCF-style: chr6-33174542-T-C. GRCh37 (hg19) VCF-style: chr6-33142319-T-C.
Other names: c.2094A>G, p.Gly698= (NM_080679.3); c.2157A>G, p.Gly719= (NM_080681.3).
Identifiers: ClinVar variation 1310363 (VCV001310363.2), dbSNP rs2150561686, ClinGen allele CA449881432.

ClinVar aggregate classification (germline): Uncertain significance (1 of 4 stars; one submission).

Submission:

GeneDx
Classification: Uncertain significance. Last evaluated: 2020-01-13. Review status: criteria provided, single submitter. Criteria: GeneDx Variant Classification Process June 2021. Collection method: clinical testing. Allele origin: germline. Affected: yes.
Comment: Not observed in large population cohorts (Lek et al., 2016); In silico analysis, which includes protein predictors and evolutionary conservation, supports that this variant does not alter splicing; Has not been previously published as pathogenic or benign to our knowledge